The following is an entry in ClinVar:

ClinVar aggregate classification (germline): Uncertain significance. Review status: criteria provided, multiple submitters, no conflicts (2 of 4 stars). 2 submissions from 2 submitters: Uncertain significance (2). Last evaluated 2025-11-08.

Allele frequency attached by ClinVar (database versions not stated): ExAC 0.00002; gnomAD exomes 0.00002; gnomAD 0.00012; 1000 Genomes Project 30x 0.00016; 1000 Genomes Project 0.00020; TOPMed 0.00039.
gnomAD v4.1: 34 of 1,612,592 alleles (0.0021%); highest among the groups gnomAD compares: Admixed American, 0.045%; no homozygotes.

Submissions (2):

Ambry Genetics
Classification: Uncertain significance. Last evaluated: 2025-11-08. Review status: criteria provided, single submitter. Criteria: Ambry Variant Classification Scheme 2023. Collection method: clinical testing. Allele origin: germline.

Labcorp Genetics (formerly Invitae), Labcorp
Classification: Uncertain significance. Last evaluated: 2025-06-11. Review status: criteria provided, single submitter. Criteria: Invitae Variant Classification Sherloc (09022015). Collection method: clinical testing. Allele origin: germline.
Comment: This sequence change replaces glutamine, which is neutral and polar, with arginine, which is basic and polar, at codon 1684 of the NYNRIN protein (p.Gln1684Arg). This variant is present in population databases (rs540426935, gnomAD 0.007%). This variant has not been reported in the literature in individuals affected with NYNRIN-related conditions. ClinVar contains an entry for this variant (Variation ID: 3203617). Experimental studies and prediction algorithms are not available or were not evaluated, and the functional significance of this variant is currently unknown. In summary, the available evidence is currently insufficient to determine the role of this variant in disease. Therefore, it has been classified as a Variant of Uncertain Significance.

NM_025081.3(NYNRIN):c.5051A>G (p.Gln1684Arg)

Gene: NYNRIN (NYN domain and retroviral integrase containing; plus strand). Cytogenetic location: 14q12.
Variant type: single nucleotide variant.
Coding change: c.5051A>G on transcript NM_025081.3 (MANE Select); coding-DNA position 5051, A replaced by G.
Protein change: p.Gln1684Arg; replaces glutamine 1684 with arginine.
Molecular consequence: missense variant.
Genome position (GRCh38, 1-based): chr14:24,416,800, A>G. VCF-style: chr14-24416800-A-G. GRCh37 (hg19) VCF-style: chr14-24886006-A-G.
Other names: short protein forms Q1684R.
Identifiers: ClinVar variation 3203617 (VCV003203617.3), dbSNP rs540426935, ClinGen allele CA7137541.
Genomic context (GRCh38, chr14:24,416,800, plus strand): 5'-TTCAGCATGTGTTTGCAAGGTGGGGTGTTCCTGTGAGGCTGGAGGCAGCCCAGGGGCCCC[A>G]GTTTGCCCGGCACGTCCTTGTGAGCTGTGGGCTGGCCCTGGGAGCCCAGGTGGCCTCCCT-3'
Protein context (NP_079357.2, residues 1674-1694): PVRLEAAQGP[Gln1684Arg]FARHVLVSCG